The following is an entry in ClinVar:

NM_006846.4(SPINK5):c.2213A>G (p.Asn738Ser)

Gene: SPINK5 (serine peptidase inhibitor Kazal type 5; plus strand). Cytogenetic location: 5q32.
Variant type: single nucleotide variant.
Coding change: c.2213A>G on transcript NM_006846.4 (MANE Select); coding-DNA position 2213, A replaced by G.
Protein change: p.Asn738Ser; replaces asparagine 738 with serine.
Molecular consequence: missense variant.
Genome position (GRCh38, 1-based): chr5:148,118,537, A>G. VCF-style: chr5-148118537-A-G. GRCh37 (hg19) VCF-style: chr5-147498100-A-G.
Other names: c.2213A>G, p.Asn738Ser (NM_001127698.2, NM_001127699.2); short protein forms N738S.
Identifiers: ClinVar variation 2041796 (VCV002041796.3), dbSNP rs769548566, ClinGen allele CA3495897.

ClinVar aggregate classification (germline): Uncertain significance. Review status: criteria provided, multiple submitters, no conflicts (2 of 4 stars). 2 submissions from 2 submitters: Uncertain significance (2). Last evaluated 2025-01-12.

Conditions:
Inborn genetic diseases. Identifiers: MedGen C0950123, MeSH D030342.
Ichthyosis linearis circumflexa. Identifiers: MedGen C0265962, MONDO:0043106, HP:0025810.

Allele frequency attached by ClinVar (database versions not stated): TOPMed 0.00005; gnomAD 0.00007; ExAC 0.00009; gnomAD exomes 0.00009.
gnomAD v4.1: 143 of 1,614,014 alleles (0.0089%); highest among the groups gnomAD compares: South Asian, 0.021%; no homozygotes.

Submissions (2):

Labcorp Genetics (formerly Invitae), Labcorp
Classification: Uncertain significance for Ichthyosis linearis circumflexa. Last evaluated: 2025-01-12. Review status: criteria provided, single submitter. Criteria: Invitae Variant Classification Sherloc (09022015). Collection method: clinical testing. Allele origin: germline.
Comment: This sequence change replaces asparagine, which is neutral and polar, with serine, which is neutral and polar, at codon 738 of the SPINK5 protein (p.Asn738Ser). This variant is present in population databases (rs769548566, gnomAD 0.02%). This variant has not been reported in the literature in individuals affected with SPINK5-related conditions. ClinVar contains an entry for this variant (Variation ID: 2041796). Invitae Evidence Modeling of protein sequence and biophysical properties (such as structural, functional, and spatial information, amino acid conservation, physicochemical variation, residue mobility, and thermodynamic stability) has been performed for this missense variant. However, the output from this modeling did not meet the statistical confidence thresholds required to predict the impact of this variant on SPINK5 protein function. In summary, the available evidence is currently insufficient to determine the role of this variant in disease. Therefore, it has been classified as a Variant of Uncertain Significance.

Ambry Genetics
Classification: Uncertain significance for Inborn genetic diseases. Last evaluated: 2024-03-14. Review status: criteria provided, single submitter. Criteria: Ambry Variant Classification Scheme 2023. Collection method: clinical testing. Allele origin: germline.